The following is an entry in ClinVar:

NM_003872.3(NRP2):c.2387C>A (p.Pro796Gln)

Gene: NRP2 (neuropilin 2; plus strand). Cytogenetic location: 2q33.3.
Variant type: single nucleotide variant.
Coding change: c.2387C>A on transcript NM_003872.3 (MANE Select); coding-DNA position 2387, C replaced by A.
Protein change: p.Pro796Gln; replaces proline 796 with glutamine.
Molecular consequence: missense variant.
Genome position (GRCh38, 1-based): chr2:205,765,553, C>A. VCF-style: chr2-205765553-C-A. GRCh37 (hg19) VCF-style: chr2-206630277-C-A.
Other names: c.2387C>A, p.Pro796Gln (NM_018534.4, NM_201266.2, NM_201267.2 and 1 more transcripts); short protein forms P796Q.
Identifiers: ClinVar variation 4979295 (VCV004979295.1).

ClinVar aggregate classification (germline): Uncertain significance (1 of 4 stars; one submission).

Conditions:
NRP2-related disorder. Also called: NRP2-related condition.

gnomAD v4.1: 4 of 1,613,422 alleles (0.00025%); highest among the groups gnomAD compares: Non-Finnish European, 0.00034%; no homozygotes.

Submission:

PreventionGenetics, part of Exact Sciences
Classification: Uncertain significance for NRP2-related condition. Last evaluated: 2026-03-29. Review status: criteria provided, single submitter. Criteria: ACMG Guidelines, 2015. Collection method: clinical testing. Allele origin: germline.
Comment: The NRP2 c.2387C>A variant is predicted to result in the amino acid substitution p.Pro796Gln. To our knowledge, this variant has not been reported in the literature or in a large population database (gnomAD), indicating this variant is rare. At this time, the clinical significance of this variant is uncertain due to the absence of conclusive functional and genetic evidence.